The following is an entry in ClinVar:

ClinVar aggregate classification (germline): Benign (0 of 4 stars; one submission).

Conditions:
CD44-related disorder. Also called: CD44-related condition.

Allele frequency attached by ClinVar (database versions not stated): gnomAD exomes 0.70436; ExAC 0.74777; ESP Exome Variant Server 0.75238; gnomAD 0.75843; TOPMed 0.75962; 1000 Genomes Project 30x 0.82573; 1000 Genomes Project 0.83027.
gnomAD v4.1: 1,144,256 of 1,611,714 alleles (71%); highest among the groups gnomAD compares: East Asian, 94%; 410,458 homozygotes.

Submission:

PreventionGenetics, part of Exact Sciences
Classification: Benign for CD44-related condition. Last evaluated: 2019-10-16. Review status: no assertion criteria provided. Collection method: clinical testing. Allele origin: germline.
Comment: This variant is classified as benign based on ACMG/AMP sequence variant interpretation guidelines (Richards et al. 2015 PMID: 25741868, with internal and published modifications).

NM_000610.4(CD44):c.1250A>G (p.Lys417Arg)

Gene: CD44 (CD44 molecule (IN blood group); plus strand). Cytogenetic location: 11p13.
Variant type: single nucleotide variant.
Coding change: c.1250A>G on transcript NM_000610.4 (MANE Select); coding-DNA position 1250, A replaced by G.
Protein change: p.Lys417Arg; replaces lysine 417 with arginine.
Molecular consequence: missense variant. On other transcripts: intron variant (6).
Genome position (GRCh38, 1-based): chr11:35,204,608, A>G. VCF-style: chr11-35204608-A-G. GRCh37 (hg19) VCF-style: chr11-35226155-A-G.
Other names: c.1121A>G, p.Lys374Arg (NM_001001389.2); c.668-3497A>G (NM_001001390.2); c.668-6638A>G (NM_001202555.2); c.668-10244A>G (NM_001001391.2, NM_001202557.2); c.667+14543A>G (NM_001202556.2); c.234-17097A>G (NM_001001392.2); short protein forms K374R, K417R.
Identifiers: ClinVar variation 3059515 (VCV003059515.2), dbSNP rs9666607, ClinGen allele CA5946629.